The following is an entry in ClinVar:

ClinVar aggregate classification (germline): Likely benign. Review status: criteria provided, multiple submitters, no conflicts (2 of 4 stars). 4 submissions from 4 submitters: Likely benign (3). 1 of the submissions does not count toward it. Last evaluated 2026-01-06.

Conditions:
PLCE1-related disorder. Also called: PLCE1-related condition.
Nephrotic syndrome, type 3 (NPHS3). Also called: NEPHROTIC SYNDROME, EARLY-ONSET, TYPE 3. Identifiers: Orphanet 656, MedGen C1853124, MONDO:0012546, OMIM 610725.

Allele frequency attached by ClinVar (database versions not stated): gnomAD exomes 0.00027 and 0.00094; ExAC 0.00104; ESP Exome Variant Server 0.00243; gnomAD 0.00243 and 0.00251; TOPMed 0.00268; 1000 Genomes Project 0.00539; 1000 Genomes Project 30x 0.00547.

Submissions (4):

Labcorp Genetics (formerly Invitae), Labcorp
Classification: Likely benign. Last evaluated: 2026-01-06. Review status: criteria provided, single submitter. Criteria: Invitae Variant Classification Sherloc (09022015). Collection method: clinical testing. Allele origin: germline.

Blueprint Genetics
Classification: Likely benign. Last evaluated: 2024-11-14. Review status: criteria provided, single submitter. Criteria: ACMG Guidelines, 2015. Collection method: clinical testing. Allele origin: germline.

Illumina Laboratory Services, Illumina
Classification: Likely benign for Nephrotic syndrome, type 3. Last evaluated: 2018-01-13. Review status: criteria provided, single submitter. Criteria: ICSL Variant Classification Criteria 13 December 2019. Collection method: clinical testing. Allele origin: germline.
Comment: This variant was observed in the ICSL laboratory as part of a predisposition screen in an ostensibly healthy population. It had not been previously curated by ICSL or reported in the Human Gene Mutation Database (HGMD: prior to June 1st, 2018), and was therefore a candidate for classification through an automated scoring system. Utilizing variant allele frequency, disease prevalence and penetrance estimates, and inheritance mode, an automated score was calculated to assess if this variant is too frequent to cause the disease. Based on the score and internal cut-off values, a variant classified as likely benign is not then subjected to further curation. The score for this variant resulted in a classification of likely benign for this disease.

PreventionGenetics, part of Exact Sciences
Classification: Benign for PLCE1-related condition. Last evaluated: 2019-08-02. Review status: no assertion criteria provided. Collection method: clinical testing. Allele origin: germline. Not counted in ClinVar's aggregate classification.
Comment: This variant is classified as benign based on ACMG/AMP sequence variant interpretation guidelines (Richards et al. 2015 PMID: 25741868, with internal and published modifications).

NM_016341.4(PLCE1):c.2428A>G (p.Ile810Val)

Gene: PLCE1 (phospholipase C epsilon 1; plus strand). Cytogenetic location: 10q23.33.
Variant type: single nucleotide variant.
Coding change: c.2428A>G on transcript NM_016341.4 (MANE Select); coding-DNA position 2428, A replaced by G.
Protein change: p.Ile810Val; replaces isoleucine 810 with valine.
Molecular consequence: missense variant.
Genome position (GRCh38, 1-based): chr10:94,245,953, A>G. VCF-style: chr10-94245953-A-G. GRCh37 (hg19) VCF-style: chr10-96005710-A-G.
Other names: c.1504A>G, p.Ile502Val (NM_001165979.2); c.2428A>G, p.Ile810Val (NM_001288989.2); short protein forms I810V, I502V.
Identifiers: ClinVar variation 301705 (VCV000301705.16), dbSNP rs78217273, ClinGen allele CA5612648.